The following is an entry in ClinVar:

NM_001395743.1(PTCHD3):c.240_269del30 (p.Arg86_Pro95del)

Gene: PTCHD3 (patched domain containing 3 (gene/pseudogene); minus strand). Cytogenetic location: 10p12.1.
Variant type: Deletion.
Coding change: c.240_269del30 on transcript NM_001395743.1; coding-DNA positions 240 to 269, 30 bases deleted (GCCTGCCGCTGGAGCTGGACGATGCACCCC).
Protein change: p.Arg86_Pro95del.
Molecular consequence: inframe indel. On other transcripts: inframe deletion (1).
Genome position (GRCh38, 1-based): chr10:27,413,965-27,413,994, GGGGTGCATCGTCCAGCTCCAGCGGCAGGC deleted on the plus strand (GCCTGCCGCTGGAGCTGGACGATGCACCCC on the coding strand, the reverse complement: PTCHD3 is on the minus strand); deleting any 30 consecutive bases within chr10:27,413,965-27,414,011 gives the same sequence; the c. name uses the placement nearest the transcript's 3' end. VCF-style (leftmost placement, unchanged base first): chr10-27413964-AGGGGTGCATCGTCCAGCTCCAGCGGCAGGC-A. GRCh37 (hg19) VCF-style: chr10-27702893-AGGGGTGCATCGTCCAGCTCCAGCGGCAGGC-A.
Other names: c.257_286del, p.Arg86_Pro95del (NM_001034842.5).
Identifiers: ClinVar variation 2640381 (VCV002640381.24), dbSNP rs773988095, ClinGen allele CA5451952.
Genomic context (GRCh38, chr10:27,413,964, plus strand): 5'-GTGTGACAGCGGTGCCGGTGCCTGCAGATGGCCGTGGGTTCGGGGGTTTCCTCCTCCGGC[AGGGGTGCATCGTCCAGCTCCAGCGGCAGGC>A]GGGGTGCATCGTCCAGCATCGACGGCCGGGGGGGTGCATCGTCCCCCTCTGGCAGGGGTG-3'

ClinVar aggregate classification (germline): Likely benign (1 of 4 stars; one submission).

Submission:

CeGaT Center for Human Genetics Tuebingen
Classification: Likely benign. Last evaluated: 2026-09-01. Review status: criteria provided, single submitter. Criteria: CeGaT Center For Human Genetics Tuebingen Variant Classification Criteria Version 2. Collection method: clinical testing. Allele origin: germline. Affected: yes. Observed: 4 variant alleles.
Comment: PTCHD3: PM4, BS2